The following is an entry in ClinVar:

ClinVar aggregate classification (germline): Likely benign (0 of 4 stars; one submission).

Conditions:
NF1-related disorder. Also called: NF1-related condition. Identifiers: MedGen CN379171.

Submission:

PreventionGenetics, part of Exact Sciences
Classification: Likely benign for NF1-related condition. Last evaluated: 2023-09-28. Review status: no assertion criteria provided. Collection method: clinical testing. Allele origin: germline.
Comment: This variant is classified as likely benign based on ACMG/AMP sequence variant interpretation guidelines (Richards et al. 2015 PMID: 25741868, with internal and published modifications).

NM_001042492.3(NF1):c.61-7480T>C

Gene: NF1 (neurofibromin 1; plus strand). Cytogenetic location: 17q11.2.
Variant type: single nucleotide variant.
Coding change: c.61-7480T>C on transcript NM_001042492.3 (MANE Select); 7480 bases into the intron before coding-DNA position 61, T replaced by C.
Molecular consequence: intron variant.
Genome position (GRCh38, 1-based): chr17:31,148,503, T>C. VCF-style: chr17-31148503-T-C. GRCh37 (hg19) VCF-style: chr17-29475521-T-C.
Other names: c.61-7480T>C (NM_000267.4, NM_001128147.3).
Identifiers: ClinVar variation 3043820 (VCV003043820.2), dbSNP rs1297198819, ClinGen allele CA2740095303.